The following is an entry in ClinVar:

NM_002900.3(RBP3):c.1206C>T (p.Asp402=)

Gene: RBP3 (retinol binding protein 3; plus strand). Cytogenetic location: 10q11.22.
Variant type: single nucleotide variant.
Coding change: c.1206C>T on transcript NM_002900.3 (MANE Select); coding-DNA position 1206, C replaced by T.
Protein change: p.Asp402=; no amino-acid change (aspartic acid 402 retained).
Molecular consequence: synonymous variant.
Genome position (GRCh38, 1-based): chr10:47,349,690, C>T. VCF-style: chr10-47349690-C-T. GRCh37 (hg19) VCF-style: chr10-48389672-G-A.
Other names: c.1206C>T (NM_002900.2).
Identifiers: ClinVar variation 1080044 (VCV001080044.12), dbSNP rs556302895, ClinGen allele CA5487577.

ClinVar aggregate classification (germline): Likely benign. Review status: criteria provided, multiple submitters, no conflicts (2 of 4 stars). 3 submissions from 3 submitters: Likely benign (2). 1 of the submissions does not count toward it. Last evaluated 2024-05-24.

Conditions:
RBP3-related disorder. Also called: RBP3-related condition.

Allele frequency attached by ClinVar (database versions not stated): TOPMed 0.00001; gnomAD 0.00004; gnomAD exomes 0.00004 and 0.00007; ExAC 0.00005; 1000 Genomes Project 0.00020; 1000 Genomes Project 30x 0.00031.
gnomAD v4.1: 60 of 1,611,510 alleles (0.0037%); highest among the groups gnomAD compares: South Asian, 0.045%; 1 homozygote.

Submissions (3):

Blueprint Genetics
Classification: Likely benign. Last evaluated: 2024-05-24. Review status: criteria provided, single submitter. Criteria: ACMG Guidelines, 2015. Collection method: clinical testing. Allele origin: germline.

Labcorp Genetics (formerly Invitae), Labcorp
Classification: Likely benign. Last evaluated: 2023-08-23. Review status: criteria provided, single submitter. Criteria: Invitae Variant Classification Sherloc (09022015). Collection method: clinical testing. Allele origin: germline.

PreventionGenetics, part of Exact Sciences
Classification: Likely benign for RBP3-related condition. Last evaluated: 2020-04-17. Review status: no assertion criteria provided. Collection method: clinical testing. Allele origin: germline. Not counted in ClinVar's aggregate classification.
Comment: This variant is classified as likely benign based on ACMG/AMP sequence variant interpretation guidelines (Richards et al. 2015 PMID: 25741868, with internal and published modifications).